The following is an entry in ClinVar:

NM_000321.3(RB1):c.1982G>C (p.Arg661Pro)

Gene: RB1 (RB transcriptional corepressor 1; plus strand). Cytogenetic location: 13q14.2.
Variant type: single nucleotide variant.
Coding change: c.1982G>C on transcript NM_000321.3 (MANE Select); coding-DNA position 1982, G replaced by C.
Protein change: p.Arg661Pro; replaces arginine 661 with proline.
Molecular consequence: missense variant.
Genome position (GRCh38, 1-based): chr13:48,459,709, G>C. VCF-style: chr13-48459709-G-C. GRCh37 (hg19) VCF-style: chr13-49033845-G-C.
Other names: c.1982G>C, p.Arg661Pro (NM_001407165.1); short protein forms R661P.
Identifiers: ClinVar variation 2859984 (VCV002859984.4), dbSNP rs750578651, ClinGen allele CA033625.

ClinVar aggregate classification (germline): Conflicting classifications of pathogenicity. Review status: criteria provided, conflicting classifications (1 of 4 stars). 2 submissions from 2 submitters: Likely pathogenic (1); Uncertain significance (1). Last evaluated 2024-05-20.

Conditions:
Retinoblastoma (RB1). Also called: RETINOBLASTOMA, SOMATIC. Identifiers: Orphanet 790, MedGen C0035335, MeSH D012175, MONDO:0008380, OMIM 180200, HP:0009919. Disease mechanism: loss of function. Inheritance: Both sporadic and heritable forms are tested..

Submissions (2):

Genetic Diagnostic Laboratory, University of Pennsylvania School of Medicine
Classification: Likely pathogenic for Retinoblastoma. Last evaluated: 2024-05-20. Review status: criteria provided, single submitter. Criteria: ACMG Guidelines, 2015. Collection method: clinical testing. Allele origin: germline. Affected: yes. Observed: 1 variant allele.
Comment: Case and Pedigree Information: BILATERAL CASES:0, UNILATERAL CASES:1, TOTAL CASES:1, PEDIGREES:1. ACMG Codes Applied:PM1, PM2, PM5, PP5

Labcorp Genetics (formerly Invitae), Labcorp
Classification: Uncertain significance for Retinoblastoma. Last evaluated: 2023-04-28. Review status: criteria provided, single submitter. Criteria: Invitae Variant Classification Sherloc (09022015). Collection method: clinical testing. Allele origin: germline.
Comment: In summary, the available evidence is currently insufficient to determine the role of this variant in disease. Therefore, it has been classified as a Variant of Uncertain Significance. This variant disrupts the p.Arg661 amino acid residue in RB1. Other variant(s) that disrupt this residue have been determined to be pathogenic (PMID: 12541220, 16269091, 18677112, 23532519, 24225018, 26925970, 28575107). This suggests that this residue is clinically significant, and that variants that disrupt this residue are likely to be disease-causing. Advanced modeling of protein sequence and biophysical properties (such as structural, functional, and spatial information, amino acid conservation, physicochemical variation, residue mobility, and thermodynamic stability) performed at Invitae indicates that this missense variant is expected to disrupt RB1 protein function. This variant has not been reported in the literature in individuals affected with RB1-related conditions. This variant is not present in population databases (gnomAD no frequency). This sequence change replaces arginine, which is basic and polar, with proline, which is neutral and non-polar, at codon 661 of the RB1 protein (p.Arg661Pro).

Literature cited by the submitters: PubMed 12541220 (cited by Labcorp Genetics (formerly Invitae), Labcorp); PubMed 16269091 (cited by Labcorp Genetics (formerly Invitae), Labcorp); PubMed 18677112 (cited by Labcorp Genetics (formerly Invitae), Labcorp); PubMed 23532519 (cited by Labcorp Genetics (formerly Invitae), Labcorp); PubMed 24225018 (cited by Labcorp Genetics (formerly Invitae), Labcorp); PubMed 26925970 (cited by Labcorp Genetics (formerly Invitae), Labcorp); PubMed 28575107 (cited by Labcorp Genetics (formerly Invitae), Labcorp).